The following is an entry in ClinVar:

ClinVar aggregate classification (germline): Conflicting classifications of pathogenicity. Review status: criteria provided, conflicting classifications (1 of 4 stars). 4 submissions from 4 submitters: Uncertain significance (1); Benign (1); Likely benign (2). Last evaluated 2026-01-16.

Conditions:
Congenital hyperammonemia, type I. Also called: Carbamoyl-phosphate synthase I deficiency; Carbamoyl phosphate synthetase 1 deficiency; Hyperammonemia due to carbamoyl phosphate synthetase 1 deficiency; CPS 1 deficiency; Carbamyl phosphate synthetase (CPS) deficiency; Carbamoyl phosphate synthetase I deficiency disease. Identifiers: Orphanet 147, MedGen C4082171, MONDO:0009376, OMIM 237300.

Allele frequency attached by ClinVar (database versions not stated): ESP Exome Variant Server 0.00015; ExAC 0.00026; gnomAD 0.00029; TOPMed 0.00031; gnomAD exomes 0.00038.
gnomAD v4.1: 353 of 1,612,448 alleles (0.022%); highest among the groups gnomAD compares: Middle Eastern, 0.066%; no homozygotes.

Submissions (4):

Labcorp Genetics (formerly Invitae), Labcorp
Classification: Benign for Congenital hyperammonemia, type I. Last evaluated: 2026-01-16. Review status: criteria provided, single submitter. Criteria: Invitae Variant Classification Sherloc (09022015). Collection method: clinical testing. Allele origin: germline.

Blueprint Genetics
Classification: Likely benign. Last evaluated: 2024-10-18. Review status: criteria provided, single submitter. Criteria: ACMG Guidelines, 2015. Collection method: clinical testing. Allele origin: germline.

Illumina Laboratory Services, Illumina
Classification: Uncertain significance for Congenital hyperammonemia, type I. Last evaluated: 2018-01-12. Review status: criteria provided, single submitter. Criteria: ICSL Variant Classification Criteria 13 December 2019. Collection method: clinical testing. Allele origin: germline.

GeneDx
Classification: Likely benign. Last evaluated: 2016-03-11. Review status: criteria provided, single submitter. Criteria: GeneDx Variant Classification (06012015). Collection method: clinical testing. Allele origin: germline. Affected: yes.
Comment: This variant is considered likely benign or benign based on one or more of the following criteria: it is a conservative change, it occurs at a poorly conserved position in the protein, it is predicted to be benign by multiple in silico algorithms, and/or has population frequency not consistent with disease.

NM_001875.5(CPS1):c.1116C>T (p.Phe372=)

Gene: CPS1 (carbamoyl-phosphate synthase 1; plus strand). Cytogenetic location: 2q34.
Variant type: single nucleotide variant.
Coding change: c.1116C>T on transcript NM_001875.5 (MANE Select); coding-DNA position 1116, C replaced by T.
Protein change: p.Phe372=; no amino-acid change (phenylalanine 372 retained).
Molecular consequence: synonymous variant. On other transcripts: non-coding transcript variant (1).
Genome position (GRCh38, 1-based): chr2:210,592,908, C>T. VCF-style: chr2-210592908-C-T. GRCh37 (hg19) VCF-style: chr2-211457632-C-T.
Other names: c.1116C>T (LRG_336t1); c.1116C>T, p.Phe372= (NM_001122633.3, NM_001369257.1); c.1149C>T, p.Phe383= (NM_001369256.1).
Identifiers: ClinVar variation 384375 (VCV000384375.16), dbSNP rs200465544, ClinGen allele CA2086260.